The following is an entry in ClinVar:

NM_000388.4(CASR):c.952A>G (p.Ile318Val)

Gene: CASR (calcium sensing receptor; plus strand). Cytogenetic location: 3q21.1.
Variant type: single nucleotide variant.
Coding change: c.952A>G on transcript NM_000388.4 (MANE Select); coding-DNA position 952, A replaced by G.
Protein change: p.Ile318Val; replaces isoleucine 318 with valine.
Molecular consequence: missense variant.
Genome position (GRCh38, 1-based): chr3:122,261,987, A>G. VCF-style: chr3-122261987-A-G. GRCh37 (hg19) VCF-style: chr3-121980834-A-G.
Other names: c.952A>G, p.Ile318Val (NM_001178065.2); short protein forms I318V.
Identifiers: ClinVar variation 1053792 (VCV001053792.9), dbSNP rs779711318, ClinGen allele CA2569566.

ClinVar aggregate classification (germline): Uncertain significance (1 of 4 stars; one submission).

Conditions:
Autosomal dominant hypocalcemia 1 (HYPOC1). Also called: HYPOCALCEMIA, FAMILIAL. Identifiers: MedGen C3715128, MONDO:0011013, OMIM 601198.
Familial hypocalciuric hypercalcemia (FHH). Also called: Familial benign hypercalcemia. Identifiers: Orphanet 405, MedGen C1809471, MONDO:0018458.

Allele frequency attached by ClinVar (database versions not stated): gnomAD exomes below 0.00001; ExAC 0.00001.
gnomAD v4.1: 1 of 1,614,160 alleles (0.000062%); highest among the groups gnomAD compares: South Asian, 0.0011%; no homozygotes.

Submission:

Labcorp Genetics (formerly Invitae), Labcorp
Classification: Uncertain significance for Familial hypocalciuric hypercalcemia; Autosomal dominant hypocalcemia 1. Last evaluated: 2020-01-26. Review status: criteria provided, single submitter. Criteria: Invitae Variant Classification Sherloc (09022015). Collection method: clinical testing. Allele origin: germline.
Comment: Algorithms developed to predict the effect of missense changes on protein structure and function (SIFT, PolyPhen-2, Align-GVGD) all suggest that this variant is likely to be disruptive, but these predictions have not been confirmed by published functional studies and their clinical significance is uncertain. This variant has not been reported in the literature in individuals with CASR-related conditions. This variant is present in population databases (rs779711318, ExAC 0.006%). This sequence change replaces isoleucine with valine at codon 318 of the CASR protein (p.Ile318Val). The isoleucine residue is highly conserved and there is a small physicochemical difference between isoleucine and valine. In summary, the available evidence is currently insufficient to determine the role of this variant in disease. Therefore, it has been classified as a Variant of Uncertain Significance.